The following is an entry in ClinVar:

NM_004544.4(NDUFA10):c.*428C>T

Gene: NDUFA10 (NADH:ubiquinone oxidoreductase subunit A10; minus strand). Cytogenetic location: 2q37.3.
Variant type: single nucleotide variant.
Coding change: c.*428C>T on transcript NM_004544.4 (MANE Select); 428 bases downstream of the stop codon, C replaced by T.
Molecular consequence: 3 prime UTR variant. On other transcripts: non-coding transcript variant (3).
Genome position (GRCh38, 1-based): chr2:239,960,690, G>A on the plus strand (C>T on the coding strand, the complement: NDUFA10 is on the minus strand). VCF-style: chr2-239960690-G-A. GRCh37 (hg19) VCF-style: chr2-240900107-G-A.
Other names: c.*433C>T (NM_001322020.2).
Identifiers: ClinVar variation 898689 (VCV000898689.4), dbSNP rs557106858, ClinGen allele CA68048797.
Genomic context (GRCh38, chr2:239,960,690, plus strand): 5'-AATGTAAGCCTCAATTAAACCACACCACACCAAACAGGGCCCAGAGCAGCGTGTGTGCAC[G>A]TGTGCAGTTTCGACGTGCCCGCACGCACATAGACGTACGATGGGGAAATTCCCATGGAAA-3'

ClinVar aggregate classification (germline): Conflicting classifications of pathogenicity. Review status: criteria provided, conflicting classifications (1 of 4 stars). 2 submissions from 1 submitter: Uncertain significance (1); Likely benign (1). Last evaluated 2018-01-13.

Conditions:
Leigh syndrome (NULS). Also called: Leigh Disease; Subacute necrotizing encephalopathy; Leigh Syndrome (mtDNA deletion); Leigh's syndrome; Leigh's necrotizing encephalopathy; Leigh's disease. Identifiers: Orphanet 506, MedGen C2931891, MONDO:0009723, OMIM 256000.
Mitochondrial complex I deficiency, nuclear type 1. Also called: NADH-COENZYME Q REDUCTASE DEFICIENCY; MITOCHONDRIAL NADH DEHYDROGENASE COMPONENT OF COMPLEX I, DEFICIENCY OF. Identifiers: MedGen C6022305, MONDO:0100224, OMIM 252010.

Allele frequency attached by ClinVar (database versions not stated): gnomAD 0.00032 and 0.00004; gnomAD exomes 0.00041; 1000 Genomes Project 30x 0.00265; 1000 Genomes Project 0.00280; TOPMed 0.00008.
gnomAD v4.1: 475 of 1,152,640 alleles (0.041%); highest among the groups gnomAD compares: South Asian, 0.81%; 7 homozygotes.

Submissions (2):

Illumina Laboratory Services, Illumina
Classification: Likely benign for Leigh syndrome. Last evaluated: 2018-01-13. Review status: criteria provided, single submitter. Criteria: ICSL Variant Classification Criteria 13 December 2019. Collection method: clinical testing. Allele origin: germline.
Comment: This variant was observed in the ICSL laboratory as part of a predisposition screen in an ostensibly healthy population. It had not been previously curated by ICSL or reported in the Human Gene Mutation Database (HGMD: prior to June 1st, 2018), and was therefore a candidate for classification through an automated scoring system. Utilizing variant allele frequency, disease prevalence and penetrance estimates, and inheritance mode, an automated score was calculated to assess if this variant is too frequent to cause the disease. Based on the score and internal cut-off values, a variant classified as likely benign is not then subjected to further curation. The score for this variant resulted in a classification of likely benign for this disease.

Illumina Laboratory Services, Illumina
Classification: Uncertain significance for Mitochondrial complex I deficiency, nuclear type 1. Last evaluated: 2018-01-13. Review status: criteria provided, single submitter. Criteria: ICSL Variant Classification Criteria 13 December 2019. Collection method: clinical testing. Allele origin: germline.